The following is an entry in ClinVar:

NM_001267550.2(TTN):c.54600C>G (p.Gly18200=)

Genes: TTN-AS1 (TTN antisense RNA 1; plus strand), TTN (titin; minus strand). Cytogenetic location: 2q31.2.
Variant type: single nucleotide variant.
Coding change: c.54600C>G on transcript NM_001267550.2 (MANE Select); coding-DNA position 54600, C replaced by G.
Protein change: p.Gly18200=; no amino-acid change (glycine 18200 retained).
Molecular consequence: synonymous variant.
Genome position (GRCh38, 1-based): chr2:178,604,087, G>C on the plus strand (C>G on the coding strand, the complement: TTN is on the minus strand). VCF-style: chr2-178604087-G-C. GRCh37 (hg19) VCF-style: chr2-179468814-G-C.
Other names: c.49677C>G, p.Gly16559= (NM_001256850.1); c.27405C>G, p.Gly9135= (NM_003319.4); c.46896C>G, p.Gly15632= (NM_133378.4); c.27780C>G, p.Gly9260= (NM_133432.3); c.27981C>G, p.Gly9327= (NM_133437.4).
Identifiers: ClinVar variation 2051438 (VCV002051438.1), dbSNP rs2054176368, ClinGen allele CA430269952.

ClinVar aggregate classification (germline): Uncertain significance (1 of 4 stars; one submission).

Conditions:
Autosomal recessive limb-girdle muscular dystrophy type 2J (LGMDR10). Also called: Limb-girdle muscular dystrophy, type 2J; MUSCULAR DYSTROPHY, LIMB-GIRDLE, AUTOSOMAL RECESSIVE 10. Identifiers: Orphanet 140922, MedGen C1837342, MONDO:0012127, OMIM 608807.
Dilated cardiomyopathy 1G (CMD1G). Identifiers: Orphanet 154, MedGen C1858763, MONDO:0011400, OMIM 604145.

Allele frequency attached by ClinVar (database versions not stated): gnomAD exomes below 0.00001.
gnomAD v4.1: 1 of 1,612,810 alleles (0.000062%); highest among the groups gnomAD compares: Non-Finnish European, 0.000085%; no homozygotes.

Submission:

Labcorp Genetics (formerly Invitae), Labcorp
Classification: Uncertain significance for Dilated cardiomyopathy 1G; Autosomal recessive limb-girdle muscular dystrophy type 2J. Last evaluated: 2019-10-17. Review status: criteria provided, single submitter. Criteria: Invitae Variant Classification Sherloc (09022015). Collection method: clinical testing. Allele origin: germline.
Comment: This sequence change affects codon 18200 of the TTN mRNA. It is a 'silent' change, meaning that it does not change the encoded amino acid sequence of the TTN protein. This variant is not present in population databases (ExAC no frequency). This variant has not been reported in the literature in individuals with TTN-related conditions. Algorithms developed to predict the effect of sequence changes on RNA splicing suggest that this variant may create or strengthen a splice site, but this prediction has not been confirmed by published transcriptional studies. In summary, the available evidence is currently insufficient to determine the role of this variant in disease. Therefore, it has been classified as a Variant of Uncertain Significance.